The following is an entry in ClinVar:

NM_001985.3(ETFB):c.-44C>A

Gene: ETFB (electron transfer flavoprotein subunit beta; minus strand). Cytogenetic location: 19q13.41.
Variant type: single nucleotide variant.
Coding change: c.-44C>A on transcript NM_001985.3 (MANE Select); 44 bases upstream of the start codon, C replaced by A.
Molecular consequence: 5 prime UTR variant.
Genome position (GRCh38, 1-based): chr19:51,366,370, G>T on the plus strand (C>A on the coding strand, the complement: ETFB is on the minus strand). VCF-style: chr19-51366370-G-T. GRCh37 (hg19) VCF-style: chr19-51869624-G-T.
Identifiers: ClinVar variation 512136 (VCV000512136.1), dbSNP rs751253707, ClinGen allele CA633731528.

ClinVar aggregate classification (germline): Likely benign (1 of 4 stars; one submission).

gnomAD v4.1: 2 of 1,595,856 alleles (0.00013%); highest among the groups gnomAD compares: Non-Finnish European, 0.000085%; no homozygotes.

Submission:

GeneDx
Classification: Likely benign. Last evaluated: 2017-10-06. Review status: criteria provided, single submitter. Criteria: GeneDx Variant Classification (06012015). Collection method: clinical testing. Allele origin: germline. Affected: yes.
Comment: This variant is considered likely benign or benign based on one or more of the following criteria: it is a conservative change, it occurs at a poorly conserved position in the protein, it is predicted to be benign by multiple in silico algorithms, and/or has population frequency not consistent with disease.